The following is an entry in ClinVar:

NM_022773.4(LMF1):c.491T>C (p.Val164Ala)

Gene: LMF1 (lipase maturation factor 1; minus strand). Cytogenetic location: 16p13.3.
Variant type: single nucleotide variant.
Coding change: c.491T>C on transcript NM_022773.4 (MANE Select); coding-DNA position 491, T replaced by C.
Protein change: p.Val164Ala; replaces valine 164 with alanine.
Molecular consequence: missense variant. On other transcripts: 5 prime UTR variant (3), non-coding transcript variant (1).
Genome position (GRCh38, 1-based): chr16:954,369, A>G on the plus strand (T>C on the coding strand, the complement: LMF1 is on the minus strand). VCF-style: chr16-954369-A-G. GRCh37 (hg19) VCF-style: chr16-1004369-A-G.
Other names: c.-313T>C (NM_001352017.2); c.-64T>C (NM_001352018.2); c.164T>C, p.Val55Ala (NM_001352019.2); c.491T>C, p.Val164Ala (NM_001352020.1); c.-215T>C (NM_001352021.2); short protein forms V55A, V164A.
Identifiers: ClinVar variation 768737 (VCV000768737.17), dbSNP rs35663121, ClinGen allele CA7797629.

ClinVar aggregate classification (germline): Benign. Review status: criteria provided, multiple submitters, no conflicts (2 of 4 stars). 5 submissions from 5 submitters: Benign (4). 1 of the submissions does not count toward it. Last evaluated 2026-01-27.

Conditions:
LMF1-related disorder. Also called: LMF1-related condition.
Cardiovascular phenotype. Identifiers: MedGen CN230736.

Allele frequency attached by ClinVar (database versions not stated): gnomAD 0.02316 and 0.02166; TOPMed 0.02411; gnomAD exomes 0.00211 and 0.00528; ExAC 0.00701; 1000 Genomes Project 0.02416; ESP Exome Variant Server 0.02288; 1000 Genomes Project 30x 0.02623.
gnomAD v4.1: 6,460 of 1,612,146 alleles (0.4%); highest among the groups gnomAD compares: African/African-American, 7.7%; 230 homozygotes.

Submissions (5):

Labcorp Genetics (formerly Invitae), Labcorp
Classification: Benign. Last evaluated: 2026-01-27. Review status: criteria provided, single submitter. Criteria: Invitae Variant Classification Sherloc (09022015). Collection method: clinical testing. Allele origin: germline.

GeneDx
Classification: Benign. Last evaluated: 2019-06-30. Review status: criteria provided, single submitter. Criteria: GeneDx Variant Classification Process June 2021. Collection method: clinical testing. Allele origin: germline. Affected: yes.

Ambry Genetics
Classification: Benign for Cardiovascular phenotype. Last evaluated: 2019-02-09. Review status: criteria provided, single submitter. Criteria: Ambry Variant Classification Scheme 2023. Collection method: clinical testing. Allele origin: germline.

Breakthrough Genomics
Classification: Benign. Review status: criteria provided, single submitter. Criteria: ACMG Guidelines, 2015. Collection method: not provided. Allele origin: germline. Inheritance: Autosomal recessive inheritance. Affected: yes.

PreventionGenetics, part of Exact Sciences
Classification: Benign for LMF1-related condition. Last evaluated: 2019-03-29. Review status: no assertion criteria provided. Collection method: clinical testing. Allele origin: germline. Not counted in ClinVar's aggregate classification.
Comment: This variant is classified as benign based on ACMG/AMP sequence variant interpretation guidelines (Richards et al. 2015 PMID: 25741868, with internal and published modifications).